The following is an entry in ClinVar:

ClinVar aggregate classification (germline): Pathogenic (1 of 4 stars; one submission).

Conditions:
Hereditary cancer-predisposing syndrome. Also called: Hereditary Cancer Syndrome; Neoplastic Syndromes, Hereditary; Tumor predisposition; Hereditary neoplastic syndrome. Identifiers: Orphanet 140162, MedGen C0027672, MeSH D009386, MONDO:0015356.

Submission:

Ambry Genetics
Classification: Pathogenic for Hereditary cancer-predisposing syndrome. Last evaluated: 2021-09-27. Review status: criteria provided, single submitter. Criteria: Ambry Variant Classification Scheme 2023. Collection method: clinical testing. Allele origin: germline.
Comment: The c.4940_4946delCAGCAAA pathogenic mutation, located in coding exon 10 of the BRCA2 gene, results from a deletion of 7 nucleotides at nucleotide positions 4940 to 4946, causing a translational frameshift with a predicted alternate stop codon (p.T1647Kfs*21). This variant is considered to be rare based on population cohorts in the Genome Aggregation Database (gnomAD). This alteration is expected to result in loss of function by premature protein truncation or nonsense-mediated mRNA decay. As such, this alteration is interpreted as a disease-causing mutation.

NM_000059.4(BRCA2):c.4940_4946del (p.Thr1647fs)

Gene: BRCA2 (BRCA2 DNA repair associated; plus strand). Cytogenetic location: 13q13.1.
Variant type: Deletion.
Coding change: c.4940_4946del on transcript NM_000059.4 (MANE Select); coding-DNA positions 4940 to 4946, 7 bases deleted (CAGCAAA; older notation c.4940_4946delCAGCAAA).
Protein change: p.Thr1647fs; shifts the reading frame from threonine 1647.
Molecular consequence: frameshift variant.
Genome position (GRCh38, 1-based): chr13:32,339,295-32,339,301, CAGCAAA deleted; deleting any 7 consecutive bases within chr13:32,339,292-32,339,301 gives the same sequence; the c. name uses the placement nearest the transcript's 3' end. VCF-style (leftmost placement, unchanged base first): chr13-32339291-GAAACAGC-G. GRCh37 (hg19) VCF-style: chr13-32913428-GAAACAGC-G.
Other names: c.4940_4946delCAGCAAA, p.Thr1647Lysfs (NM_001406719.1, NM_001406720.1); short protein forms T1647fs.
Identifiers: ClinVar variation 1744271 (VCV001744271.2), dbSNP rs2548529635, ClinGen allele CA2580087319.